The following is an entry in ClinVar:

NM_021224.6(ZNF462):c.2987del (p.Arg996fs)

Gene: ZNF462 (zinc finger protein 462; plus strand). Cytogenetic location: 9q31.2.
Variant type: Deletion.
Coding change: c.2987del on transcript NM_021224.6 (MANE Select); coding-DNA position 2987, one base deleted (G; older notation c.2987delG).
Protein change: p.Arg996fs; shifts the reading frame from arginine 996.
Molecular consequence: frameshift variant.
Genome position (GRCh38, 1-based): chr9:106,926,899, G deleted. VCF-style (leftmost placement, unchanged base first): chr9-106926898-CG-C. GRCh37 (hg19) VCF-style: chr9-109689179-CG-C.
Other names: c.2987del, p.Arg996fs (NM_001347997.2); short protein forms R996fs.
Identifiers: ClinVar variation 3377166 (VCV003377166.1).

ClinVar aggregate classification (germline): Pathogenic (1 of 4 stars; one submission).

Conditions:
Weiss-Kruszka syndrome. Also called: Metopic ridging-ptosis-facial dysmorphism syndrome. Identifiers: Orphanet 502430, MedGen C5568107, MONDO:0032836, OMIM 618619.

Submission:

Victorian Clinical Genetics Services, Murdoch Childrens Research Institute
Classification: Pathogenic for Weiss-Kruszka syndrome. Last evaluated: 2024-10-09. Review status: criteria provided, single submitter. Criteria: ACMG Guidelines, 2015. Collection method: clinical testing. Allele origin: germline. Inheritance: Autosomal dominant inheritance. Affected: yes.
Comment: Based on the classification scheme VCGS_Germline_v1.3.4, this variant is classified as Pathogenic. Following criteria are met: 0102 - Loss of function is a known mechanism of disease in this gene and is associated with Weiss-Kruszka syndrome (MIM#618619). (I) 0107 - This gene is associated with autosomal dominant disease. (I) 0115 - Variants in this gene are known to have variable expressivity (OMIM). (I) 0201 - Variant is predicted to cause nonsense-mediated decay (NMD) and loss of protein (premature termination codon is located at least 54 nucleotides upstream of the final exon-exon junction). (SP) 0251 - This variant is heterozygous. (I) 0301 - Variant is absent from gnomAD (both v2 and v3). (SP) 0701 - Other NMD-predicted variants comparable to the one identified in this case have very strong previous evidence for pathogenicity (DECIPHER). Several of these have been reported in Weiss-Kruszka syndrome patients (ClinVar, PMID: 31361404). (SP) 0807 - This variant has no previous evidence of pathogenicity. (I) 0905 - No published segregation evidence has been identified for this variant. (I) 1007 - No published functional evidence has been identified for this variant. (SP) Legend: (SP) - Supporting pathogenic, (I) - Information, (SB) - Supporting benign

Literature cited by the submitters: PubMed 31361404.